The following is an entry in ClinVar:

ClinVar aggregate classification (germline): Benign/Likely benign. Review status: criteria provided, multiple submitters, no conflicts (2 of 4 stars). 5 submissions from 5 submitters: Benign (1); Likely benign (4). Last evaluated 2025-12-11.

Conditions:
Peutz-Jeghers syndrome (PJS). Also called: POLYPOSIS, HAMARTOMATOUS INTESTINAL; POLYPS-AND-SPOTS SYNDROME; Peutz-Jeghers polyposis; Periorificial lentiginosis syndrome. Identifiers: Orphanet 2869, MedGen C0031269, MeSH D010580, MONDO:0008280, OMIM 175200.
Hereditary cancer-predisposing syndrome. Also called: Tumor predisposition; Neoplastic Syndromes, Hereditary; Hereditary Cancer Syndrome; Hereditary neoplastic syndrome. Identifiers: Orphanet 140162, MedGen C0027672, MeSH D009386, MONDO:0015356.

Allele frequency attached by ClinVar (database versions not stated): gnomAD exomes below 0.00001; gnomAD 0.00001.
gnomAD v4.1: 6 of 1,611,652 alleles (0.00037%); highest among the groups gnomAD compares: South Asian, 0.0011%; no homozygotes.

Submissions (5):

Labcorp Genetics (formerly Invitae), Labcorp
Classification: Likely benign for Peutz-Jeghers syndrome. Last evaluated: 2025-12-11. Review status: criteria provided, single submitter. Criteria: Invitae Variant Classification Sherloc (09022015). Collection method: clinical testing. Allele origin: germline.

Myriad Genetics, Inc.
Classification: Benign for Peutz-Jeghers syndrome. Last evaluated: 2025-03-25. Review status: criteria provided, single submitter. Criteria: Myriad Autosomal Dominant, Autosomal Recessive and X-Linked Classification Criteria (2023). Collection method: clinical testing. Allele origin: unknown.
Comment: This variant is considered benign. This variant is a silent/synonymous amino acid change and it is not expected to impact splicing.

All of Us Research Program, National Institutes of Health
Classification: Likely benign for Peutz-Jeghers syndrome. Last evaluated: 2023-08-15. Review status: criteria provided, single submitter. Criteria: ACMG Guidelines, 2015. Collection method: clinical testing. Allele origin: germline. Inheritance: Autosomal dominant inheritance. Observed: 1 variant allele, 1 heterozygote.
Comment: This study involves interpretation of variants in research participants for the purpose of population health screening. Participant phenotype was not available at the time of variant classification. Additional details can be found in publication PMID: 35346344, PMCID: PMC8962531

Color Diagnostics, LLC DBA Color Health
Classification: Likely benign for Hereditary cancer-predisposing syndrome. Last evaluated: 2018-11-30. Review status: criteria provided, single submitter. Criteria: ACMG Guidelines, 2015. Collection method: clinical testing. Allele origin: germline.

Ambry Genetics
Classification: Likely benign for Hereditary cancer-predisposing syndrome. Last evaluated: 2017-06-02. Review status: criteria provided, single submitter. Criteria: Ambry Variant Classification Scheme 2023. Collection method: clinical testing. Allele origin: germline.

NM_000455.5(STK11):c.249G>A (p.Lys83=)

Gene: STK11 (serine/threonine kinase 11; plus strand). Cytogenetic location: 19p13.3.
Variant type: single nucleotide variant.
Coding change: c.249G>A on transcript NM_000455.5 (MANE Select); coding-DNA position 249, G replaced by A.
Protein change: p.Lys83=; no amino-acid change (lysine 83 retained).
Molecular consequence: synonymous variant.
Genome position (GRCh38, 1-based): chr19:1,207,162, G>A. VCF-style: chr19-1207162-G-A. GRCh37 (hg19) VCF-style: chr19-1207161-G-A.
Identifiers: ClinVar variation 486990 (VCV000486990.20), dbSNP rs1400078073, ClinGen allele CA504706322.